The following is an entry in ClinVar:

ClinVar aggregate classification (germline): Uncertain significance (1 of 4 stars; one submission).

Conditions:
Immunodeficiency 14 (IMD14A). Also called: Activated PI3K Delta Syndrome Type 1 (APDS1); p110-DELTA-ACTIVATING MUTATION CAUSING SENESCENT T CELLS, LYMPHADENOPATHY, AND IMMUNODEFICIENCY; IMMUNODEFICIENCY 14A WITH LYMPHOPROLIFERATION, AUTOSOMAL DOMINANT; ACTIVATED PI3K-DELTA SYNDROME 1. Identifiers: Orphanet 397596, Orphanet 693661, MedGen C5907821, MONDO:0014222, OMIM 615513.

Allele frequency attached by ClinVar (database versions not stated): TOPMed 0.00001; gnomAD 0.00001; gnomAD exomes 0.00001.
gnomAD v4.1: 9 of 1,612,892 alleles (0.00056%); highest among the groups gnomAD compares: South Asian, 0.0033%; no homozygotes.

Submission:

Labcorp Genetics (formerly Invitae), Labcorp
Classification: Uncertain significance for Activated PI3K-delta syndrome. Last evaluated: 2025-01-23. Review status: criteria provided, single submitter. Criteria: Invitae Variant Classification Sherloc (09022015). Collection method: clinical testing. Allele origin: germline.
Comment: This sequence change replaces arginine, which is basic and polar, with cysteine, which is neutral and slightly polar, at codon 389 of the PIK3CD protein (p.Arg389Cys). This variant is not present in population databases (gnomAD no frequency). This variant has not been reported in the literature in individuals affected with PIK3CD-related conditions. ClinVar contains an entry for this variant (Variation ID: 2052886). Invitae Evidence Modeling of protein sequence and biophysical properties (such as structural, functional, and spatial information, amino acid conservation, physicochemical variation, residue mobility, and thermodynamic stability) indicates that this missense variant is expected to disrupt PIK3CD protein function with a positive predictive value of 80%. In summary, the available evidence is currently insufficient to determine the role of this variant in disease. Therefore, it has been classified as a Variant of Uncertain Significance.

NM_005026.5(PIK3CD):c.1165C>T (p.Arg389Cys)

Genes: PIK3CD (phosphatidylinositol-4,5-bisphosphate 3-kinase catalytic subunit delta; plus strand), LOC126805612 (MED14-independent group 3 enhancer GRCh37_chr1:9778914-9780113; plus strand). Cytogenetic location: 1p36.22.
Variant type: single nucleotide variant.
Coding change: c.1165C>T on transcript NM_005026.5 (MANE Select); coding-DNA position 1165, C replaced by T.
Protein change: p.Arg389Cys; replaces arginine 389 with cysteine.
Molecular consequence: missense variant.
Genome position (GRCh38, 1-based): chr1:9,718,838, C>T. VCF-style: chr1-9718838-C-T. GRCh37 (hg19) VCF-style: chr1-9778896-C-T.
Other names: c.1165C>T, p.Arg389Cys (NM_001350234.2); c.1078C>T, p.Arg360Cys (NM_001350235.1); short protein forms R360C, R389C.
Identifiers: ClinVar variation 2052886 (VCV002052886.4), dbSNP rs1454291091, ClinGen allele CA338302246.